The following is an entry in ClinVar:

ClinVar aggregate classification (germline): Pathogenic. Review status: criteria provided, multiple submitters, no conflicts (2 of 4 stars). 2 submissions from 2 submitters: Pathogenic (2). Last evaluated 2025-02-14.

Conditions:
Ullrich congenital muscular dystrophy 1A. Also called: Ullrich congenital muscular dystrophy 1; Intermediate COL6-RD. Identifiers: Orphanet 75840, MedGen C0410179, MONDO:0009681, OMIM 254090.
Bethlem myopathy 1A. Also called: MYOPATHY, BENIGN CONGENITAL, WITH CONTRACTURES; Bethlem myopathy 1; Bethlem Muscular Dystrophy. Identifiers: Orphanet 610, MedGen CN029274, MONDO:0024530, OMIM 158810.

Submissions (2):

Women's Health and Genetics/Laboratory Corporation of America, LabCorp
Classification: Pathogenic for Ullrich congenital muscular dystrophy 1A. Last evaluated: 2025-02-14. Review status: criteria provided, single submitter. Criteria: LabCorp Variant Classification Summary - May 2015. Collection method: clinical testing. Allele origin: germline.
Comment: Variant summary: COL6A3 c.3504dupG (p.Asn1169GlufsX3) results in a premature termination codon, predicted to cause a truncation of the encoded protein or absence of the protein due to nonsense mediated decay, which are commonly known mechanisms for disease. The variant was absent in 251358 control chromosomes. To our knowledge, no occurrence of c.3504dupG in individuals affected with Ullrich Congenital Muscular Dystrophy 1 and no experimental evidence demonstrating its impact on protein function have been reported. ClinVar contains an entry for this variant (Variation ID: 2027532). Based on the evidence outlined above, the variant was classified as pathogenic.

Labcorp Genetics (formerly Invitae), Labcorp
Classification: Pathogenic for Bethlem myopathy 1A. Last evaluated: 2022-08-28. Review status: criteria provided, single submitter. Criteria: Invitae Variant Classification Sherloc (09022015). Collection method: clinical testing. Allele origin: germline.
Comment: This variant is not present in population databases (gnomAD no frequency). For these reasons, this variant has been classified as Pathogenic. This variant has not been reported in the literature in individuals affected with COL6A3-related conditions. This sequence change creates a premature translational stop signal (p.Asn1169Glufs*3) in the COL6A3 gene. It is expected to result in an absent or disrupted protein product. Loss-of-function variants in COL6A3 are known to be pathogenic (PMID: 26004199).

Literature cited by the submitters: PubMed 26004199 (cited by Labcorp Genetics (formerly Invitae), Labcorp).

NM_004369.4(COL6A3):c.3504dup (p.Asn1169fs)

Gene: COL6A3 (collagen type VI alpha 3 chain; minus strand). Cytogenetic location: 2q37.3.
Variant type: Duplication.
Coding change: c.3504dup on transcript NM_004369.4 (MANE Select); coding-DNA position 3504, one base duplicated (G; older notation c.3504dupG).
Protein change: p.Asn1169fs; shifts the reading frame from asparagine 1169.
Molecular consequence: frameshift variant.
Genome position (GRCh38, 1-based): chr2:237,374,587, C duplicated on the plus strand (G on the coding strand, the reverse complement: COL6A3 is on the minus strand); the first of 3 consecutive C bases (chr2:237,374,587-237,374,589); duplicating any one gives the same sequence. VCF-style (leftmost placement, unchanged base first): chr2-237374586-T-TC. GRCh37 (hg19) VCF-style: chr2-238283229-T-TC.
Other names: c.3504dupG (NM_004369.4); c.2283dup, p.Asn762fs (NM_057164.5); c.2886dup, p.Asn963fs (NM_057165.5, NM_057167.4); c.1683dup, p.Asn562fs (NM_057166.5); short protein forms N762fs, N1169fs, N963fs, N562fs.
Identifiers: ClinVar variation 2027532 (VCV002027532.5), dbSNP rs2469905125, ClinGen allele CA2580066116.